The following is an entry in ClinVar:

NM_017849.4(TMEM127):c.329C>T (p.Ala110Val)

Gene: TMEM127 (transmembrane protein 127; minus strand). Cytogenetic location: 2q11.2.
Variant type: single nucleotide variant.
Coding change: c.329C>T on transcript NM_017849.4 (MANE Select); coding-DNA position 329, C replaced by T.
Protein change: p.Ala110Val; replaces alanine 110 with valine.
Molecular consequence: missense variant.
Genome position (GRCh38, 1-based): chr2:96,254,913, G>A on the plus strand (C>T on the coding strand, the complement: TMEM127 is on the minus strand). VCF-style: chr2-96254913-G-A. GRCh37 (hg19) VCF-style: chr2-96920651-G-A.
Other names: c.329C>T, p.Ala110Val (NM_001193304.3); c.77C>T, p.Ala26Val (NM_001407282.1, NM_001407283.1); short protein forms A26V, A110V.
Identifiers: ClinVar variation 4841663 (VCV004841663.1).
Genomic context (GRCh38, chr2:96,254,913, plus strand): 5'-GCATAGCGACGAGTGATCTTCAGAGCAGGATGCTTCGGCCCAAAGACATCCAGAAGGAAA[G>A]CGGAGAGACTACACAGGATGCCCAGGAAACAGAAGGCGGCGATGACCCGCAGGAGCAGCA-3'
Protein context (NP_060319.1, residues 100-120): CFLGILCSLS[Ala110Val]FLLDVFGPKH

ClinVar aggregate classification (germline): Uncertain significance (1 of 4 stars; one submission).

Conditions:
Hereditary cancer-predisposing syndrome. Also called: Neoplastic Syndromes, Hereditary; Tumor predisposition; Hereditary Cancer Syndrome; Hereditary neoplastic syndrome. Identifiers: Orphanet 140162, MedGen C0027672, MeSH D009386, MONDO:0015356.

Submission:

Ambry Genetics
Classification: Uncertain significance for Hereditary cancer-predisposing syndrome. Last evaluated: 2025-12-24. Review status: criteria provided, single submitter. Criteria: Ambry Variant Classification Scheme 2023. Collection method: clinical testing. Allele origin: germline.
Comment: The p.A110V variant (also known as c.329C>T), located in coding exon 2 of the TMEM127 gene, results from a C to T substitution at nucleotide position 329. The alanine at codon 110 is replaced by valine, an amino acid with similar properties. This amino acid position is conserved. In addition, this alteration is predicted to be deleterious by in silico analysis. Based on the available evidence, the clinical significance of this variant remains unclear.